The following is an entry in ClinVar:

ClinVar aggregate classification (germline): Pathogenic/Likely pathogenic. Review status: criteria provided, multiple submitters, no conflicts (2 of 4 stars). 4 submissions from 4 submitters: Pathogenic (2); Likely pathogenic (1). 1 of the submissions does not count toward it. Last evaluated 2021-11-11.

Conditions:
Marfan syndrome (MFS). Also called: MARFAN SYNDROME, TYPE I; FBN1-Related Marfan Syndrome; Marfan syndrome type 1; Marfan's syndrome; Marfan syndrome, classic. Identifiers: Orphanet 284963, Orphanet 558, MedGen C0024796, MONDO:0007947, OMIM 154700.
Familial thoracic aortic aneurysm and aortic dissection (TAAD). Also called: Thoracic aortic aneurysms and dissections. Identifiers: Orphanet 91387, MedGen C4707243, MONDO:0019625.

Submissions (4):

Labcorp Genetics (formerly Invitae), Labcorp
Classification: Pathogenic for Marfan syndrome; Familial thoracic aortic aneurysm and aortic dissection. Last evaluated: 2021-11-11. Review status: criteria provided, single submitter. Criteria: Invitae Variant Classification Sherloc (09022015). Collection method: clinical testing. Allele origin: germline.
Comment: For these reasons, this variant has been classified as Pathogenic. Algorithms developed to predict the effect of sequence changes on RNA splicing suggest that this variant may disrupt the consensus splice site. ClinVar contains an entry for this variant (Variation ID: 419595). Disruption of this splice site has been observed in individual(s) with Marfan syndrome (PMID: 19293843, 25907466). In at least one individual the variant was observed to be de novo. This variant is not present in population databases (gnomAD no frequency). This sequence change affects a donor splice site in intron 54 of the FBN1 gene. It is expected to disrupt RNA splicing. Variants that disrupt the donor or acceptor splice site typically lead to a loss of protein function (PMID: 16199547), and loss-of-function variants in FBN1 are known to be pathogenic (PMID: 17657824, 19293843).

Centre of Medical Genetics, University of Antwerp
Classification: Likely pathogenic for Marfan syndrome. Last evaluated: 2021-03-01. Review status: criteria provided, single submitter. Criteria: Submitter's publication. Collection method: research. Allele origin: unknown. Affected: yes. Observed: 2 variant alleles.
Comment: PM2, PS7, PP4

GeneDx
Classification: Pathogenic. Last evaluated: 2016-04-07. Review status: criteria provided, single submitter. Criteria: GeneDx Variant Classification (06012015). Collection method: clinical testing. Allele origin: germline. Affected: yes.
Comment: The c.6616+1 G>A variant has been reported previously in two individuals with Marfan syndrome(Attanasio et al., 2008; Proost et al., 2015). This variant destroys the canonical splice donor site inintron 54 and is predicted to cause abnormal gene splicing. This variant is predicted to lead to eitheran abnormal message that is subject to nonsense-mediated mRNA decay, or to an abnormal proteinproduct if the message is used for protein translation. Other splice site variants in the FBN1 gene,including two affecting the same splice donor site (c.6616+1 G>T; c.6616+2 T>A), have beenreported in HGMD in association with Marfan syndrome (Stenson et al., 2014). Furthermore, thec.6616+1 G>A variant was not observed in approximately 6,500 individuals of European and AfricanAmerican ancestry in the NHLBI Exome Sequencing Project, indicating it is not a common benignvariant in these populations. In summary, c.6616+1 G>A in the FBN1 gene is interpreted as a pathogenic variant.

Center for Medical Genetics Ghent, University of Ghent
Classification: Pathogenic for Marfan syndrome. Last evaluated: 2017-11-07. Review status: no assertion criteria provided. Collection method: clinical testing. Allele origin: germline. Affected: yes. Not counted in ClinVar's aggregate classification.

Literature cited by the submitters: PubMed 19293843 (cited by Labcorp Genetics (formerly Invitae), Labcorp); PubMed 25907466 (cited by Labcorp Genetics (formerly Invitae), Labcorp); PubMed 16199547 (cited by Labcorp Genetics (formerly Invitae), Labcorp); PubMed 17657824 (cited by Labcorp Genetics (formerly Invitae), Labcorp).

NM_000138.5(FBN1):c.6616+1G>A

Gene: FBN1 (fibrillin 1; minus strand). Cytogenetic location: 15q21.1.
Variant type: single nucleotide variant.
Coding change: c.6616+1G>A on transcript NM_000138.5 (MANE Select); the canonical splice donor site of the intron after coding-DNA position 6616, G replaced by A.
Molecular consequence: splice donor variant.
Genome position (GRCh38, 1-based): chr15:48,434,593, C>T on the plus strand (G>A on the coding strand, the complement: FBN1 is on the minus strand). VCF-style: chr15-48434593-C-T. GRCh37 (hg19) VCF-style: chr15-48726790-C-T.
Other names: c.6616+1G>A (NM_001406716.1).
Identifiers: ClinVar variation 419595 (VCV000419595.26), dbSNP rs1064793980, ClinGen allele CA16619943.